The following is an entry in ClinVar:

NM_012309.5(SHANK2):c.324C>A (p.Ser108Arg)

Gene: SHANK2 (SH3 and multiple ankyrin repeat domains 2; minus strand). Cytogenetic location: 11q13.4.
Variant type: single nucleotide variant.
Coding change: c.324C>A on transcript NM_012309.5 (MANE Select); coding-DNA position 324, C replaced by A.
Protein change: p.Ser108Arg; replaces serine 108 with arginine.
Molecular consequence: missense variant.
Genome position (GRCh38, 1-based): chr11:71,118,916, G>T on the plus strand (C>A on the coding strand, the complement: SHANK2 is on the minus strand). VCF-style: chr11-71118916-G-T. GRCh37 (hg19) VCF-style: chr11-70829962-G-T.
Other names: short protein forms S108R.
Identifiers: ClinVar variation 3392653 (VCV003392653.1).

ClinVar aggregate classification (germline): Uncertain significance (1 of 4 stars; one submission).

Submission:

GeneDx
Classification: Uncertain significance. Last evaluated: 2024-06-25. Review status: criteria provided, single submitter. Criteria: GeneDx Variant Classification Process June 2021. Collection method: clinical testing. Allele origin: germline. Affected: yes.
Comment: Not observed at significant frequency in large population cohorts (gnomAD); In silico analysis supports that this missense variant has a deleterious effect on protein structure/function; Has not been previously published as pathogenic or benign to our knowledge